The following is an entry in ClinVar:

ClinVar aggregate classification (germline): Benign/Likely benign. Review status: criteria provided, multiple submitters, no conflicts (2 of 4 stars). 3 submissions from 3 submitters: Benign (1); Likely benign (1). 1 of the submissions does not count toward it. Last evaluated 2024-11-04.

Conditions:
ARHGEF2-related disorder. Also called: ARHGEF2-related condition.

Allele frequency attached by ClinVar (database versions not stated): 1000 Genomes Project 0.00339; 1000 Genomes Project 30x 0.00344; gnomAD 0.00590; TOPMed 0.00651; ESP Exome Variant Server 0.00692.
gnomAD v4.1: 1,686 of 1,614,098 alleles (0.1%); highest among the groups gnomAD compares: African/African-American, 2%; 15 homozygotes.

Submissions (3):

Blueprint Genetics
Classification: Likely benign. Last evaluated: 2024-11-04. Review status: criteria provided, single submitter. Criteria: ACMG Guidelines, 2015. Collection method: clinical testing. Allele origin: germline.

Labcorp Genetics (formerly Invitae), Labcorp
Classification: Benign. Last evaluated: 2019-12-31. Review status: criteria provided, single submitter. Criteria: Invitae Variant Classification Sherloc (09022015). Collection method: clinical testing. Allele origin: germline.

PreventionGenetics, part of Exact Sciences
Classification: Benign for ARHGEF2-related condition. Last evaluated: 2019-03-26. Review status: no assertion criteria provided. Collection method: clinical testing. Allele origin: germline. Not counted in ClinVar's aggregate classification.
Comment: This variant is classified as benign based on ACMG/AMP sequence variant interpretation guidelines (Richards et al. 2015 PMID: 25741868, with internal and published modifications).

NM_001162383.2(ARHGEF2):c.516A>G (p.Ser172=)

Gene: ARHGEF2 (Rho/Rac guanine nucleotide exchange factor 2; minus strand). Cytogenetic location: 1q22.
Variant type: single nucleotide variant.
Coding change: c.516A>G on transcript NM_001162383.2 (MANE Select); coding-DNA position 516, A replaced by G.
Protein change: p.Ser172=; no amino-acid change (serine 172 retained).
Molecular consequence: synonymous variant.
Genome position (GRCh38, 1-based): chr1:155,965,367, T>C on the plus strand (A>G on the coding strand, the complement: ARHGEF2 is on the minus strand). VCF-style: chr1-155965367-T-C. GRCh37 (hg19) VCF-style: chr1-155935158-T-C.
Other names: c.516A>G, p.Ser172= (NM_001162384.2); c.435A>G, p.Ser145= (NM_001350110.2, NM_001350111.2, NM_004723.4); c.465A>G, p.Ser155= (NM_001350112.2); c.435A>G (NM_004723.3).
Identifiers: ClinVar variation 789946 (VCV000789946.7), dbSNP rs149517516, ClinGen allele CA1153489.